The following is an entry in ClinVar:

NM_025215.6(PUS1):c.313G>A (p.Gly105Arg)

Genes: PUS1 (pseudouridine synthase 1; plus strand), LOC132090059 (Neanderthal introgressed variant-containing enhancer experimental_25941; plus strand). Cytogenetic location: 12q24.33.
Variant type: single nucleotide variant.
Coding change: c.313G>A on transcript NM_025215.6 (MANE Select); coding-DNA position 313, G replaced by A.
Protein change: p.Gly105Arg; replaces glycine 105 with arginine.
Molecular consequence: missense variant.
Genome position (GRCh38, 1-based): chr12:131,932,184, G>A. VCF-style: chr12-131932184-G-A. GRCh37 (hg19) VCF-style: chr12-132416729-G-A.
Other names: c.229G>A, p.Gly77Arg (NM_001002019.3, NM_001002020.3); short protein forms G77R, G105R.
Identifiers: ClinVar variation 2144059 (VCV002144059.3), dbSNP rs763065931, ClinGen allele CA6884088.

ClinVar aggregate classification (germline): Uncertain significance (1 of 4 stars; one submission).

Allele frequency attached by ClinVar (database versions not stated): TOPMed below 0.00001; ExAC 0.00001; gnomAD 0.00001; gnomAD exomes 0.00001.
gnomAD v4.1: 9 of 1,613,800 alleles (0.00056%); highest among the groups gnomAD compares: East Asian, 0.0067%; no homozygotes.

Submission:

Labcorp Genetics (formerly Invitae), Labcorp
Classification: Uncertain significance. Last evaluated: 2023-12-22. Review status: criteria provided, single submitter. Criteria: Invitae Variant Classification Sherloc (09022015). Collection method: clinical testing. Allele origin: germline.
Comment: This sequence change replaces glycine, which is neutral and non-polar, with arginine, which is basic and polar, at codon 105 of the PUS1 protein (p.Gly105Arg). This variant is present in population databases (rs763065931, gnomAD 0.02%). This variant has not been reported in the literature in individuals affected with PUS1-related conditions. ClinVar contains an entry for this variant (Variation ID: 2144059). Advanced modeling of protein sequence and biophysical properties (such as structural, functional, and spatial information, amino acid conservation, physicochemical variation, residue mobility, and thermodynamic stability) performed at Invitae indicates that this missense variant is not expected to disrupt PUS1 protein function with a negative predictive value of 80%. In summary, the available evidence is currently insufficient to determine the role of this variant in disease. Therefore, it has been classified as a Variant of Uncertain Significance.